The following is an entry in ClinVar:

NM_000368.5(TSC1):c.2626-5T>G

Gene: TSC1 (TSC complex subunit 1; minus strand). Cytogenetic location: 9q34.13.
Variant type: single nucleotide variant.
Coding change: c.2626-5T>G on transcript NM_000368.5 (MANE Select); 5 bases into the intron before coding-DNA position 2626, T replaced by G.
Molecular consequence: intron variant.
Genome position (GRCh38, 1-based): chr9:132,897,615, A>C on the plus strand (T>G on the coding strand, the complement: TSC1 is on the minus strand). VCF-style: chr9-132897615-A-C. GRCh37 (hg19) VCF-style: chr9-135773002-A-C.
Other names: c.2263-5T>G (NM_001362177.2); c.2473-5T>G (NM_001162427.2); c.2623-5T>G (NM_001162426.2).
Identifiers: ClinVar variation 664069 (VCV000664069.13), dbSNP rs1444272064, ClinGen allele CA915947226.
Genomic context (GRCh38, chr9:132,897,615, plus strand): 5'-TGGCTTCTGTTTTTTTCTAGCTCTTTCCGATAGGCGGCTTTCATCATTTCTACTTCCTGA[A>C]AAAAAAAAAAAAAAAAGACTGGAATTAGTACTTATAAAAAATAAACATGCTGTATCCATT-3'

ClinVar aggregate classification (germline): Conflicting classifications of pathogenicity. Review status: criteria provided, conflicting classifications (1 of 4 stars). 2 submissions from 2 submitters: Uncertain significance (1); Likely benign (1). Last evaluated 2024-02-20.

Conditions:
Tuberous sclerosis 1 (TSC1). Identifiers: Orphanet 805, MedGen C1854465, MONDO:0008612, OMIM 191100.
Hereditary cancer-predisposing syndrome. Also called: Neoplastic Syndromes, Hereditary; Hereditary neoplastic syndrome; Tumor predisposition; Hereditary Cancer Syndrome. Identifiers: Orphanet 140162, MedGen C0027672, MeSH D009386, MONDO:0015356.

gnomAD v4.1: 1 of 1,046,476 alleles (0.000096%); highest among the groups gnomAD compares: Non-Finnish European, 0.00013%; no homozygotes.

Submissions (2):

Labcorp Genetics (formerly Invitae), Labcorp
Classification: Likely benign for Tuberous sclerosis 1. Last evaluated: 2024-02-20. Review status: criteria provided, single submitter. Criteria: Invitae Variant Classification Sherloc (09022015). Collection method: clinical testing. Allele origin: germline.

Ambry Genetics
Classification: Uncertain significance for Hereditary cancer-predisposing syndrome. Last evaluated: 2022-11-16. Review status: criteria provided, single submitter. Criteria: Ambry Variant Classification Scheme 2023. Collection method: clinical testing. Allele origin: germline.
Comment: The c.2626-5T>G intronic variant results from a T to G substitution 5 nucleotides upstream from coding exon 19 in the TSC1 gene. This nucleotide position is not well conserved in available vertebrate species. In silico splice site analysis predicts that this alteration will not have any significant effect on splicing; however, direct evidence is insufficient at this time (Ambry internal data). Since supporting evidence is limited at this time, the clinical significance of this alteration remains unclear.